The following is an entry in ClinVar:

NM_002225.5(IVD):c.464G>A (p.Ser155Asn)

Gene: IVD (isovaleryl-CoA dehydrogenase; plus strand). Cytogenetic location: 15q15.1.
Variant type: single nucleotide variant.
Coding change: c.464G>A on transcript NM_002225.5 (MANE Select); coding-DNA position 464, G replaced by A.
Protein change: p.Ser155Asn; replaces serine 155 with asparagine.
Molecular consequence: missense variant. On other transcripts: non-coding transcript variant (1).
Genome position (GRCh38, 1-based): chr15:40,411,267, G>A. VCF-style: chr15-40411267-G-A. GRCh37 (hg19) VCF-style: chr15-40703466-G-A.
Other names: c.374G>A, p.Ser125Asn (NM_001159508.3); c.416G>A, p.Ser139Asn (NM_001354597.3); c.464G>A, p.Ser155Asn (NM_001354598.3, NM_001354601.3); c.551G>A, p.Ser184Asn (NM_001354599.3, NM_001354600.3); short protein forms S139N, S155N, S184N, S125N.
Identifiers: ClinVar variation 315798 (VCV000315798.7), dbSNP rs140182461, ClinGen allele CA7480645.

ClinVar aggregate classification (germline): Uncertain significance. Review status: criteria provided, multiple submitters, no conflicts (2 of 4 stars). 3 submissions from 3 submitters: Uncertain significance (3). Last evaluated 2025-09-01.

Conditions:
Inborn genetic diseases. Identifiers: MedGen C0950123, MeSH D030342.
Isovaleryl-CoA dehydrogenase deficiency (IVA). Also called: ISOVALERIC ACID CoA DEHYDROGENASE DEFICIENCY; IVD DEFICIENCY; Isovaleric acidemia; Classic Isovaleric Acidemia. Identifiers: Orphanet 33, MedGen C0268575, MONDO:0009475, OMIM 243500.

Allele frequency attached by ClinVar (database versions not stated): gnomAD 0.00001 and 0.00003; gnomAD exomes 0.00005 and 0.00006; ExAC 0.00006; TOPMed 0.00006; 1000 Genomes Project 30x 0.00047; 1000 Genomes Project 0.00060.
gnomAD v4.1: 34 of 1,614,200 alleles (0.0021%); highest among the groups gnomAD compares: East Asian, 0.076%; no homozygotes.

Submissions (3):

Ambry Genetics
Classification: Uncertain significance for Inborn genetic diseases. Last evaluated: 2025-09-01. Review status: criteria provided, single submitter. Criteria: Ambry Variant Classification Scheme 2023. Collection method: clinical testing. Allele origin: germline.

Labcorp Genetics (formerly Invitae), Labcorp
Classification: Uncertain significance for Isovaleryl-CoA dehydrogenase deficiency. Last evaluated: 2021-09-02. Review status: criteria provided, single submitter. Criteria: Invitae Variant Classification Sherloc (09022015). Collection method: clinical testing. Allele origin: germline.
Comment: This sequence change replaces serine with asparagine at codon 158 of the IVD protein (p.Ser158Asn). The serine residue is highly conserved and there is a small physicochemical difference between serine and asparagine. This variant is present in population databases (rs140182461, ExAC 0.08%). This variant has not been reported in the literature in individuals affected with IVD-related conditions. ClinVar contains an entry for this variant (Variation ID: 315798). Algorithms developed to predict the effect of missense changes on protein structure and function output the following: SIFT: "Deleterious"; PolyPhen-2: "Benign"; Align-GVGD: "Class C0". The asparagine amino acid residue is found in multiple mammalian species, which suggests that this missense change does not adversely affect protein function. In summary, the available evidence is currently insufficient to determine the role of this variant in disease. Therefore, it has been classified as a Variant of Uncertain Significance.

Illumina Laboratory Services, Illumina
Classification: Uncertain significance for Isovaleryl-CoA dehydrogenase deficiency. Last evaluated: 2018-01-13. Review status: criteria provided, single submitter. Criteria: ICSL Variant Classification Criteria 13 December 2019. Collection method: clinical testing. Allele origin: germline.